The following is an entry in ClinVar:

NM_007363.5(NONO):c.1366C>T (p.Arg456Cys)

Gene: NONO (non-POU domain containing octamer binding; plus strand). Cytogenetic location: Xq13.1.
Variant type: single nucleotide variant.
Coding change: c.1366C>T on transcript NM_007363.5 (MANE Select); coding-DNA position 1366, C replaced by T.
Protein change: p.Arg456Cys; replaces arginine 456 with cysteine.
Molecular consequence: missense variant.
Genome position (GRCh38, 1-based): chrX:71,300,026, C>T. VCF-style: chrX-71300026-C-T. GRCh37 (hg19) VCF-style: chrX-70519876-C-T.
Other names: c.1366C>T, p.Arg456Cys (NM_001145408.2, NM_001145409.2); c.1099C>T, p.Arg367Cys (NM_001145410.2); short protein forms R367C, R456C.
Identifiers: ClinVar variation 2705011 (VCV002705011.3), dbSNP rs375259906, ClinGen allele CA331037147.

ClinVar aggregate classification (germline): Uncertain significance (1 of 4 stars; one submission).

Allele frequency attached by ClinVar (database versions not stated): TOPMed below 0.00001; ESP Exome Variant Server 0.00009.

Submission:

Labcorp Genetics (formerly Invitae), Labcorp
Classification: Uncertain significance. Last evaluated: 2024-01-21. Review status: criteria provided, single submitter. Criteria: Invitae Variant Classification Sherloc (09022015). Collection method: clinical testing. Allele origin: germline.
Comment: This sequence change replaces arginine, which is basic and polar, with cysteine, which is neutral and slightly polar, at codon 456 of the NONO protein (p.Arg456Cys). This variant is not present in population databases (gnomAD no frequency). This variant has not been reported in the literature in individuals affected with NONO-related conditions. An algorithm developed to predict the effect of missense changes on protein structure and function (PolyPhen-2) suggests that this variant is likely to be tolerated. In summary, the available evidence is currently insufficient to determine the role of this variant in disease. Therefore, it has been classified as a Variant of Uncertain Significance.